The following is an entry in ClinVar:

ClinVar aggregate classification (germline): Uncertain significance. Review status: criteria provided, multiple submitters, no conflicts (2 of 4 stars). 2 submissions from 2 submitters: Uncertain significance (2). Last evaluated 2024-11-11.

Allele frequency attached by ClinVar (database versions not stated): ExAC 0.00008; ESP Exome Variant Server 0.00008; gnomAD exomes 0.00008 and 0.00010; 1000 Genomes Project 30x 0.00016; gnomAD 0.00016; 1000 Genomes Project 0.00020; TOPMed 0.00020.

Submissions (2):

GeneDx
Classification: Uncertain significance. Last evaluated: 2024-11-11. Review status: criteria provided, single submitter. Criteria: GeneDx Variant Classification Process June 2021. Collection method: clinical testing. Allele origin: germline. Affected: yes.
Comment: In silico analysis supports that this missense variant has a deleterious effect on protein structure/function; Has not been previously published as pathogenic or benign to our knowledge

Labcorp Genetics (formerly Invitae), Labcorp
Classification: Uncertain significance. Last evaluated: 2022-10-17. Review status: criteria provided, single submitter. Criteria: Invitae Variant Classification Sherloc (09022015). Collection method: clinical testing. Allele origin: germline.
Comment: This sequence change replaces threonine, which is neutral and polar, with methionine, which is neutral and non-polar, at codon 353 of the TBCE protein (p.Thr353Met). This variant is present in population databases (rs141668253, gnomAD 0.03%). This variant has not been reported in the literature in individuals affected with TBCE-related conditions. ClinVar contains an entry for this variant (Variation ID: 1427290). Advanced modeling of protein sequence and biophysical properties (such as structural, functional, and spatial information, amino acid conservation, physicochemical variation, residue mobility, and thermodynamic stability) performed at Invitae indicates that this missense variant is expected to disrupt TBCE protein function. In summary, the available evidence is currently insufficient to determine the role of this variant in disease. Therefore, it has been classified as a Variant of Uncertain Significance.

NM_003193.5(TBCE):c.1058C>T (p.Thr353Met)

Gene: TBCE (tubulin folding cofactor E; plus strand). Cytogenetic location: 1q42.3.
Variant type: single nucleotide variant.
Coding change: c.1058C>T on transcript NM_003193.5 (MANE Select); coding-DNA position 1058, C replaced by T.
Protein change: p.Thr353Met; replaces threonine 353 with methionine.
Molecular consequence: missense variant.
Genome position (GRCh38, 1-based): chr1:235,437,416, C>T. VCF-style: chr1-235437416-C-T. GRCh37 (hg19) VCF-style: chr1-235600731-C-T.
Other names: c.1058C>T, p.Thr353Met (NM_001079515.3); c.1211C>T, p.Thr404Met (NM_001287801.2); c.719C>T, p.Thr240Met (NM_001287802.2); c.1058C>T (NM_003193.4); short protein forms T353M, T240M, T404M.
Identifiers: ClinVar variation 1427290 (VCV001427290.4), dbSNP rs141668253, ClinGen allele CA1464321.